The following is an entry in ClinVar:

ClinVar aggregate classification (germline): Uncertain significance (1 of 4 stars; one submission).

Submission:

Dasa
Classification: Uncertain significance. Last evaluated: 2026-04-13. Review status: criteria provided, single submitter. Criteria: DASA Assertion Criteria. Collection method: clinical testing. Allele origin: germline.
Comment: NM_004818.3(DDX23):c.2041G>A (p.Ala681Thr) is a missense variant that results in the substitution of alanine with threonine. This variant is absent from population databases. The currently available literature and clinical evidence are not sufficient to establish a definitive association between this variant and the reported condition. Therefore, this variant is classified as a variant of uncertain significance.

NM_004818.3(DDX23):c.2041G>A (p.Ala681Thr)

Gene: DDX23 (DEAD-box helicase 23; minus strand). Cytogenetic location: 12q13.12.
Variant type: single nucleotide variant.
Coding change: c.2041G>A on transcript NM_004818.3 (MANE Select); coding-DNA position 2041, G replaced by A.
Protein change: p.Ala681Thr; replaces alanine 681 with threonine.
Molecular consequence: missense variant.
Genome position (GRCh38, 1-based): chr12:48,832,101, C>T on the plus strand (G>A on the coding strand, the complement: DDX23 is on the minus strand). VCF-style: chr12-48832101-C-T. GRCh37 (hg19) VCF-style: chr12-49225884-C-T.
Other names: short protein forms A681T.
Identifiers: ClinVar variation 4885758 (VCV004885758.2).